The following is an entry in ClinVar:

NM_003907.3(EIF2B5):c.1444+2T>C

Gene: EIF2B5 (eukaryotic translation initiation factor 2B subunit epsilon; plus strand). Cytogenetic location: 3q27.1.
Variant type: single nucleotide variant.
Coding change: c.1444+2T>C on transcript NM_003907.3 (MANE Select); the canonical splice donor site of the intron after coding-DNA position 1444, T replaced by C.
Molecular consequence: splice donor variant.
Genome position (GRCh38, 1-based): chr3:184,142,380, T>C. VCF-style: chr3-184142380-T-C. GRCh37 (hg19) VCF-style: chr3-183860168-T-C.
Identifiers: ClinVar variation 2775815 (VCV002775815.3), dbSNP rs2473669392, ClinGen allele CA355390569.

ClinVar aggregate classification (germline): Likely pathogenic (1 of 4 stars; one submission).

Submission:

Labcorp Genetics (formerly Invitae), Labcorp
Classification: Likely pathogenic. Last evaluated: 2023-06-09. Review status: criteria provided, single submitter. Criteria: Invitae Variant Classification Sherloc (09022015). Collection method: clinical testing. Allele origin: germline.
Comment: This sequence change affects a donor splice site in intron 9 of the EIF2B5 gene. It is expected to disrupt RNA splicing. Variants that disrupt the donor or acceptor splice site typically lead to a loss of protein function (PMID: 16199547), and loss-of-function variants in EIF2B5 are known to be pathogenic (PMID: 11704758, 15060152, 21307862). This variant is not present in population databases (gnomAD no frequency). In summary, the currently available evidence indicates that the variant is pathogenic, but additional data are needed to prove that conclusively. Therefore, this variant has been classified as Likely Pathogenic. Algorithms developed to predict the effect of sequence changes on RNA splicing suggest that this variant may disrupt the consensus splice site. This variant has not been reported in the literature in individuals affected with EIF2B5-related conditions.

Literature cited by the submitters: PubMed 16199547; PubMed 11704758; PubMed 15060152; PubMed 21307862.